The following is an entry in ClinVar:

NM_000071.3(CBS):c.304A>C (p.Lys102Gln)

Gene: CBS (cystathionine beta-synthase; minus strand). Cytogenetic location: 21q22.3.
Variant type: single nucleotide variant.
Coding change: c.304A>C on transcript NM_000071.3 (MANE Select); coding-DNA position 304, A replaced by C.
Protein change: p.Lys102Gln; replaces lysine 102 with glutamine.
Molecular consequence: missense variant.
Genome position (GRCh38, 1-based): chr21:43,068,521, T>G on the plus strand (A>C on the coding strand, the complement: CBS is on the minus strand). VCF-style: chr21-43068521-T-G. GRCh37 (hg19) VCF-style: chr21-44488631-T-G.
Other names: p.K102Q:AAG>CAG; NM_000071.2(CBS):c.304A>C(p.Lys102Gln); NM_001178008.1(CBS):c.304A>C(p.Lys102Gln); NM_001178009.1(CBS):c.304A>C(p.Lys102Gln); c.304A>C, p.Lys102Gln (NM_001178008.3, NM_001178009.3, NM_001320298.2); short protein forms K102Q.
Identifiers: ClinVar variation 136677 (VCV000136677.47), dbSNP rs34040148, ClinGen allele CA302971.

ClinVar aggregate classification (germline): Benign/Likely benign. Review status: criteria provided, multiple submitters, no conflicts (2 of 4 stars). 17 submissions from 17 submitters: Benign (10); Likely benign (3). 4 of the submissions do not count toward it. Last evaluated 2026-02-04.

Conditions:
Connective tissue disorder. Also called: Connective tissue disease. Identifiers: MedGen C0009782, MONDO:0003900.
Familial thoracic aortic aneurysm and aortic dissection (TAAD). Also called: Thoracic aortic aneurysms and dissections. Identifiers: Orphanet 91387, MedGen C4707243, MONDO:0019625.
Classic homocystinuria. Also called: Homocystinuria due to Cystathionine Beta-Synthase Deficiency; Homocystinuria due to CBS deficiency; Cystathionine beta-synthase deficiency; CBS deficiency; HOMOCYSTINURIA WITH OR WITHOUT RESPONSE TO PYRIDOXINE. Identifiers: Orphanet 394, MedGen C0751202, MONDO:0009352, OMIM 236200.
HYPERHOMOCYSTEINEMIA, THROMBOTIC, CBS-RELATED. Identifiers: MedGen C3150344, OMIM 236200.

Allele frequency attached by ClinVar (database versions not stated): gnomAD exomes 0.00294; ExAC 0.00363; gnomAD 0.01138; 1000 Genomes Project 0.01178; TOPMed 0.01218; ESP Exome Variant Server 0.01284.

Submissions (17):

Labcorp Genetics (formerly Invitae), Labcorp
Classification: Benign for HYPERHOMOCYSTEINEMIA, THROMBOTIC, CBS-RELATED. Last evaluated: 2026-02-04. Review status: criteria provided, single submitter. Criteria: Invitae Variant Classification Sherloc (09022015). Collection method: clinical testing. Allele origin: germline.

ARUP Laboratories, Molecular Genetics and Genomics, ARUP Laboratories
Classification: Benign. Last evaluated: 2025-07-14. Review status: criteria provided, single submitter. Criteria: ARUP Molecular Germline Variant Investigation Process 2024. Collection method: clinical testing. Allele origin: germline.

Mayo Clinic Laboratories, Mayo Clinic
Classification: Benign. Last evaluated: 2023-11-08. Review status: criteria provided, single submitter. Criteria: ACMG Guidelines, 2015. Collection method: clinical testing. Allele origin: germline. Observed: 11 variant alleles.
Comment: BS1, BS2, BS3_supporting

Women's Health and Genetics/Laboratory Corporation of America, LabCorp
Classification: Benign. Last evaluated: 2022-05-17. Review status: criteria provided, single submitter. Criteria: LabCorp Variant Classification Summary - May 2015. Collection method: clinical testing. Allele origin: germline.
Comment: Variant summary: CBS c.304A>C (p.Lys102Gln) results in a conservative amino acid change in the encoded protein sequence. Three of five in-silico tools predict a benign effect of the variant on protein function. The variant allele was found at a frequency of 0.0029 in 251336 control chromosomes, predominantly at a frequency of 0.04 within the African or African-American subpopulation in the gnomAD database, including 15 homozygotes. The observed variant frequency within African or African-American control individuals in the gnomAD database is approximately 13 fold of the estimated maximal expected allele frequency for a pathogenic variant in CBS causing Homocystinuria phenotype (0.003), strongly suggesting that the variant is a benign polymorphism found primarily in populations of African or African-American origin. To our knowledge, no occurrence of c.304A>C in individuals affected with Homocystinuria and no experimental evidence demonstrating its impact on protein function have been reported. Ten clinical diagnostic laboratories have submitted clinical-significance assessments for this variant to ClinVar after 2014 without evidence for independent evaluation. All laboratories classified the variant as benign/likely benign. Based on the evidence outlined above, the variant was classified as benign.

Genome Diagnostics Laboratory, The Hospital for Sick Children
Classification: Likely benign for Connective tissue disorder. Last evaluated: 2019-03-01. Review status: criteria provided, single submitter. Criteria: ACMG Guidelines, 2015. Collection method: clinical testing. Allele origin: germline.

GeneDx
Classification: Benign. Last evaluated: 2018-11-28. Review status: criteria provided, single submitter. Criteria: GeneDx Variant Classification Process June 2021. Collection method: clinical testing. Allele origin: germline. Affected: yes.
Comment: This variant is associated with the following publications: (PMID: 22267502, 20981092, 21228398, 10338090)

SIB Swiss Institute of Bioinformatics
Classification: Benign for Classic homocystinuria. Last evaluated: 2018-05-31. Review status: criteria provided, single submitter. Criteria: ACMG Guidelines, 2015. Collection method: curation. Allele origin: unknown.
Comment: This variant is interpreted as a Benign, for Homocystinuria due to cystathionine beta-synthase deficiency, in Autosomal Recessive manner. The following ACMG Tag(s) were applied: BS1 => Allele frequency is greater than expected for disorder. BS2 => Observed in a healthy adult individual for a recessive (homozygous), dominant (heterozygous), or X-linked (hemizygous) disorder, with full penetrance expected at an early age. BP4 => Multiple lines of computational evidence suggest no impact on gene or gene product (conservation, evolutionary, splicing impact, etc.).

Illumina Laboratory Services, Illumina
Classification: Likely benign for Classic homocystinuria. Last evaluated: 2017-04-27. Review status: criteria provided, single submitter. Criteria: ICSL Variant Classification Criteria 13 December 2019. Collection method: clinical testing. Allele origin: germline.
Comment: This variant was observed as part of a predisposition screen in an ostensibly healthy population. A literature search was performed for the gene, cDNA change, and amino acid change (where applicable). Publications were found based on this search. The evidence from the literature, in combination with allele frequency data from public databases where available, was sufficient to determine this variant is unlikely to cause disease. Therefore, this variant is classified as likely benign.

Ambry Genetics
Classification: Benign for Familial thoracic aortic aneurysm and aortic dissection. Last evaluated: 2015-08-25. Review status: criteria provided, single submitter. Criteria: Ambry Variant Classification Scheme 2023. Collection method: clinical testing. Allele origin: germline.

Laboratory for Molecular Medicine, Mass General Brigham Personalized Medicine
Classification: Benign. Last evaluated: 2015-07-16. Review status: criteria provided, single submitter. Criteria: LMM Criteria. Collection method: clinical testing. Allele origin: germline. Observed: 1 variant allele.
Comment: p.Lys102Gln in exon 4 of CBS: This variant is not expected to have clinical sign ificance because it has been identified in 4% (415/10368) of African chromosomes by the Exome Aggregation Consortium (ExAC; dbSNP rs34040148).

Center for Pediatric Genomic Medicine, Children's Mercy Hospital and Clinics
Classification: Benign. Last evaluated: 2015-05-21. Review status: criteria provided, single submitter. Criteria: ACMG Guidelines, 2015. Collection method: clinical testing. Allele origin: germline.

Eurofins Ntd Llc (ga)
Classification: Benign. Last evaluated: 2015-02-03. Review status: criteria provided, single submitter. Criteria: EGL Classification Definitions 2015. Collection method: clinical testing. Allele origin: germline. Observed: 1 variant allele, 1 heterozygote.

Breakthrough Genomics
Classification: Likely benign. Review status: criteria provided, single submitter. Criteria: ACMG Guidelines, 2015. Collection method: not provided. Allele origin: germline. Inheritance: Autosomal recessive inheritance. Affected: yes.

Natera, Inc.
Classification: Benign for Homocystinuria due to cystathionine beta-synthase deficiency. Last evaluated: 2020-09-16. Review status: no assertion criteria provided. Collection method: clinical testing. Allele origin: germline. Not counted in ClinVar's aggregate classification.

Clinical Genetics, Academic Medical Center
Classification: Benign. Review status: no assertion criteria provided. Collection method: clinical testing. Allele origin: germline. Affected: yes. Study: VKGL Data-share Consensus. Not counted in ClinVar's aggregate classification.

Genome Diagnostics Laboratory, University Medical Center Utrecht
Classification: Likely benign. Review status: no assertion criteria provided. Collection method: clinical testing. Allele origin: germline. Affected: yes. Study: VKGL Data-share Consensus. Not counted in ClinVar's aggregate classification.

Laboratory of Diagnostic Genome Analysis, Leiden University Medical Center (LUMC)
Classification: Benign. Review status: no assertion criteria provided. Collection method: clinical testing. Allele origin: germline. Affected: yes. Study: VKGL Data-share Consensus. Not counted in ClinVar's aggregate classification.

Literature cited by the submitters: PubMed 10338090 (cited by Mayo Clinic Laboratories, Mayo Clinic and Illumina Laboratory Services, Illumina); PubMed 22267502 (cited by Mayo Clinic Laboratories, Mayo Clinic and Illumina Laboratory Services, Illumina).